The following is an entry in ClinVar:

ClinVar aggregate classification (germline): Uncertain significance (1 of 4 stars; one submission).

Conditions:
BLK-related disorder. Also called: BLK-related condition.

Submission:

PreventionGenetics, part of Exact Sciences
Classification: Uncertain significance for BLK-related condition. Last evaluated: 2024-11-02. Review status: criteria provided, single submitter. Criteria: ACMG Guidelines, 2015. Collection method: clinical testing. Allele origin: germline.
Comment: The BLK c.1199A>G variant is predicted to result in the amino acid substitution p.Lys400Arg. To our knowledge, this variant has not been reported in the literature or in a large population database (gnomAD), indicating this variant is rare. At this time, the clinical significance of this variant is uncertain due to the absence of conclusive functional and genetic evidence.

NM_001715.3(BLK):c.1199A>G (p.Lys400Arg)

Gene: BLK (BLK proto-oncogene, Src family tyrosine kinase). Cytogenetic location: 8p23.1.
Variant type: single nucleotide variant.
Coding change: c.1199A>G on transcript NM_001715.3 (MANE Select); coding-DNA position 1199, A replaced by G.
Protein change: p.Lys400Arg; replaces lysine 400 with arginine.
Molecular consequence: missense variant.
Genome position (GRCh38, 1-based): chr8:11,562,997, A>G. VCF-style: chr8-11562997-A-G. GRCh37 (hg19) VCF-style: chr8-11420506-A-G.
Other names: c.986A>G, p.Lys329Arg (NM_001330465.2); short protein forms K329R, K400R.
Identifiers: ClinVar variation 4989864 (VCV004989864.1).